The following is an entry in ClinVar:

ClinVar aggregate classification (germline): Pathogenic. Review status: criteria provided, single submitter (1 of 4 stars). 2 submissions from 2 submitters: Pathogenic (1). 1 of the submissions does not count toward it. Last evaluated 2022-08-01.

Conditions:
Retinal dystrophy. Also called: Inherited retinal dystrophy. Identifiers: Orphanet 71862, MedGen C0854723, MeSH D058499, MONDO:0019118, HP:0000556.

Allele frequency attached by ClinVar (database versions not stated): gnomAD exomes below 0.00001; gnomAD 0.00001; TOPMed 0.00001.
gnomAD v4.1: 3 of 1,613,812 alleles (0.00019%); highest among the groups gnomAD compares: Non-Finnish European, 0.00025%; no homozygotes.

Submissions (2):

Labcorp Genetics (formerly Invitae), Labcorp
Classification: Pathogenic. Last evaluated: 2022-08-01. Review status: criteria provided, single submitter. Criteria: Invitae Variant Classification Sherloc (09022015). Collection method: clinical testing. Allele origin: germline.
Comment: This sequence change creates a premature translational stop signal (p.Trp32*) in the EYS gene. It is expected to result in an absent or disrupted protein product. Loss-of-function variants in EYS are known to be pathogenic (PMID: 18836446, 20333770). This variant is not present in population databases (gnomAD no frequency). This variant has not been reported in the literature in individuals affected with EYS-related conditions. ClinVar contains an entry for this variant (Variation ID: 860620). For these reasons, this variant has been classified as Pathogenic.

Institute of Human Genetics, Univ. Regensburg, Univ. Regensburg
Classification: Pathogenic for Retinal dystrophy. Last evaluated: 2023-01-01. Review status: no assertion criteria provided. Criteria: ACMG Guidelines, 2015. Collection method: clinical testing. Allele origin: germline. Affected: yes. Not counted in ClinVar's aggregate classification.

Literature cited by the submitters: PubMed 18836446 (cited by Labcorp Genetics (formerly Invitae), Labcorp); PubMed 20333770 (cited by Labcorp Genetics (formerly Invitae), Labcorp).

NM_001142800.2(EYS):c.96G>A (p.Trp32Ter)

Gene: EYS (EGF-like photoreceptor maintenance factor; minus strand). Cytogenetic location: 6q12.
Variant type: single nucleotide variant.
Coding change: c.96G>A on transcript NM_001142800.2 (MANE Select); coding-DNA position 96, G replaced by A.
Protein change: p.Trp32Ter; replaces tryptophan 32 with a stop codon.
Molecular consequence: nonsense.
Genome position (GRCh38, 1-based): chr6:65,495,315, C>T on the plus strand (G>A on the coding strand, the complement: EYS is on the minus strand). VCF-style: chr6-65495315-C-T. GRCh37 (hg19) VCF-style: chr6-66205208-C-T.
Other names: c.96G>A, p.Trp32Ter (NM_001142801.2, NM_001292009.2, NM_198283.2); short protein forms W32*.
Identifiers: ClinVar variation 860620 (VCV000860620.8), dbSNP rs1388177618, ClinGen allele CA364790662.